The following is an entry in ClinVar:

NM_002332.3(LRP1):c.4105G>A (p.Glu1369Lys)

Genes: LRP1 (LDL receptor related protein 1; plus strand), LOC126861539 (CDK7 strongly-dependent group 2 enhancer GRCh37_chr12:57570347-57571546; plus strand). Cytogenetic location: 12q13.3.
Variant type: single nucleotide variant.
Coding change: c.4105G>A on transcript NM_002332.3 (MANE Select); coding-DNA position 4105, G replaced by A.
Protein change: p.Glu1369Lys; replaces glutamic acid 1369 with lysine.
Molecular consequence: missense variant.
Genome position (GRCh38, 1-based): chr12:57,177,154, G>A. VCF-style: chr12-57177154-G-A. GRCh37 (hg19) VCF-style: chr12-57570937-G-A.
Other names: short protein forms E1369K.
Identifiers: ClinVar variation 5018298 (VCV005018298.1).
Genomic context (GRCh38, chr12:57,177,154, plus strand): 5'-CTGGCTGTAGACTGGATTGCAGGCAACATCTACTGGGTGGAGAGTAACCTGGATCAGATC[G>A]AGGTGGCCAAGCTGGATGGGACCCTCCGGACCACCCTGCTGGCCGGTGACATTGAGCACC-3'
Protein context (NP_002323.2, residues 1359-1379): YWVESNLDQI[Glu1369Lys]VAKLDGTLRT

ClinVar aggregate classification (germline): Uncertain significance (1 of 4 stars; one submission).

Submission:

GeneDx
Classification: Uncertain significance. Last evaluated: 2026-04-07. Review status: criteria provided, single submitter. Criteria: GeneDx Variant Classification Process June 2021. Collection method: clinical testing. Allele origin: germline.
Comment: Not observed at significant frequency in large population cohorts (gnomAD); In silico analysis supports that this missense variant has a deleterious effect on protein structure/function; Has not been previously published as pathogenic or benign to our knowledge; Variants in candidate genes are classified as variants of uncertain significance in accordance with ACMG guidelines (PMID: 25741868)